The following is an entry in ClinVar:

NM_212482.4(FN1):c.1544G>A (p.Arg515Gln)

Gene: FN1 (fibronectin 1; minus strand). Cytogenetic location: 2q35.
Variant type: single nucleotide variant.
Coding change: c.1544G>A on transcript NM_212482.4 (MANE Select); coding-DNA position 1544, G replaced by A.
Protein change: p.Arg515Gln; replaces arginine 515 with glutamine.
Molecular consequence: missense variant.
Genome position (GRCh38, 1-based): chr2:215,422,093, C>T on the plus strand (G>A on the coding strand, the complement: FN1 is on the minus strand). VCF-style: chr2-215422093-C-T. GRCh37 (hg19) VCF-style: chr2-216286816-C-T.
Other names: c.1544G>A, p.Arg515Gln (NM_001365517.2, NM_001365518.2, NM_001365519.2 and 14 more transcripts); short protein forms R515Q.
Identifiers: ClinVar variation 1474447 (VCV001474447.9), dbSNP rs376696206, ClinGen allele CA2095260.

ClinVar aggregate classification (germline): Uncertain significance. Review status: criteria provided, multiple submitters, no conflicts (2 of 4 stars). 2 submissions from 2 submitters: Uncertain significance (2). Last evaluated 2026-01-30.

Conditions:
Spondylometaphyseal dysplasia - Sutcliffe type. Also called: Spondylometaphyseal dysplasia, 'corner fracture' type; Spondylometaphyseal Dysplasia, Corner Fracture Type; Sutcliffe type of spondylometaphyseal dysplasia; Sutcliffe SMD. Identifiers: Orphanet 93315, MedGen C0432221, MONDO:0008479, OMIM 184255.
Glomerulopathy with fibronectin deposits 2 (GFND2). Identifiers: Orphanet 84090, MedGen C1866075, MONDO:0011165, OMIM 601894.

Allele frequency attached by ClinVar (database versions not stated): gnomAD 0.00001; gnomAD exomes 0.00002; TOPMed 0.00002; ExAC 0.00003; ESP Exome Variant Server 0.00008.
gnomAD v4.1: 32 of 1,614,028 alleles (0.002%); highest among the groups gnomAD compares: Admixed American, 0.0067%; no homozygotes.

Submissions (2):

Labcorp Genetics (formerly Invitae), Labcorp
Classification: Uncertain significance. Last evaluated: 2026-01-30. Review status: criteria provided, single submitter. Criteria: Invitae Variant Classification Sherloc (09022015). Collection method: clinical testing. Allele origin: germline.
Comment: This sequence change replaces arginine, which is basic and polar, with glutamine, which is neutral and polar, at codon 515 of the FN1 protein (p.Arg515Gln). This variant is present in population databases (rs376696206, gnomAD 0.006%). This variant has not been reported in the literature in individuals affected with FN1-related conditions. ClinVar contains an entry for this variant (Variation ID: 1474447). An algorithm developed to predict the effect of missense changes on protein structure and function (PolyPhen-2) suggests that this variant is likely to be disruptive. In summary, the available evidence is currently insufficient to determine the role of this variant in disease. Therefore, it has been classified as a Variant of Uncertain Significance.

Fulgent Genetics
Classification: Uncertain significance for Spondylometaphyseal dysplasia - Sutcliffe type; Glomerulopathy with fibronectin deposits 2. Last evaluated: 2022-01-25. Review status: criteria provided, single submitter. Criteria: ACMG Guidelines, 2015. Collection method: clinical testing. Allele origin: unknown.